The following is an entry in ClinVar:

NM_031885.5(BBS2):c.1591T>A (p.Phe531Ile)

Gene: BBS2 (Bardet-Biedl syndrome 2; minus strand). Cytogenetic location: 16q13.
Variant type: single nucleotide variant.
Coding change: c.1591T>A on transcript NM_031885.5 (MANE Select); coding-DNA position 1591, T replaced by A.
Protein change: p.Phe531Ile; replaces phenylalanine 531 with isoleucine.
Molecular consequence: missense variant. On other transcripts: non-coding transcript variant (5).
Genome position (GRCh38, 1-based): chr16:56,498,505, A>T on the plus strand (T>A on the coding strand, the complement: BBS2 is on the minus strand). VCF-style: chr16-56498505-A-T. GRCh37 (hg19) VCF-style: chr16-56532417-A-T.
Other names: c.1591T>A, p.Phe531Ile (NM_001377456.1); c.1591T>A (NM_031885.3); short protein forms F531I.
Identifiers: ClinVar variation 2187701 (VCV002187701.3), dbSNP rs143153259, ClinGen allele CA8065670.

ClinVar aggregate classification (germline): Uncertain significance. Review status: criteria provided, multiple submitters, no conflicts (2 of 4 stars). 3 submissions from 3 submitters: Uncertain significance (2). 1 of the submissions does not count toward it. Last evaluated 2022-03-29.

Conditions:
BBS2-related disorder. Also called: BBS2-related disorders; BBS2-related condition. Identifiers: MedGen CN239228.
Bardet-Biedl syndrome (BBS). Identifiers: Orphanet 110, MedGen C0752166, MONDO:0015229.

Allele frequency attached by ClinVar (database versions not stated): gnomAD exomes below 0.00001; ExAC 0.00002; gnomAD 0.00005; ESP Exome Variant Server 0.00008.
gnomAD v4.1: 10 of 1,614,010 alleles (0.00062%); highest among the groups gnomAD compares: African/African-American, 0.013%; no homozygotes.

Submissions (3):

Blueprint Genetics
Classification: Uncertain significance. Last evaluated: 2022-03-29. Review status: criteria provided, single submitter. Criteria: ACMG Guidelines, 2015. Collection method: clinical testing. Allele origin: germline.

Labcorp Genetics (formerly Invitae), Labcorp
Classification: Uncertain significance for Bardet-Biedl syndrome. Last evaluated: 2022-01-26. Review status: criteria provided, single submitter. Criteria: Invitae Variant Classification Sherloc (09022015). Collection method: clinical testing. Allele origin: germline.
Comment: This sequence change replaces phenylalanine, which is neutral and non-polar, with isoleucine, which is neutral and non-polar, at codon 531 of the BBS2 protein (p.Phe531Ile). The frequency data for this variant in the population databases is considered unreliable, as metrics indicate poor data quality at this position in the gnomAD database. This variant has not been reported in the literature in individuals affected with BBS2-related conditions. Algorithms developed to predict the effect of missense changes on protein structure and function are either unavailable or do not agree on the potential impact of this missense change (SIFT: "Deleterious"; PolyPhen-2: "Benign"; Align-GVGD: "Class C0"). In summary, the available evidence is currently insufficient to determine the role of this variant in disease. Therefore, it has been classified as a Variant of Uncertain Significance.

PreventionGenetics, part of Exact Sciences
Classification: Uncertain significance for BBS2-related condition. Last evaluated: 2024-03-29. Review status: no assertion criteria provided. Collection method: clinical testing. Allele origin: germline. Not counted in ClinVar's aggregate classification.
Comment: The BBS2 c.1591T>A variant is predicted to result in the amino acid substitution p.Phe531Ile. To our knowledge, this variant has not been reported in the literature. This variant is reported in 0.012% of alleles in individuals of African descent in gnomAD. At this time, the clinical significance of this variant is uncertain due to the absence of conclusive functional and genetic evidence.